The following is an entry in ClinVar:

NM_013382.7(POMT2):c.1768T>C (p.Tyr590His)

Gene: POMT2 (protein O-mannosyltransferase 2; minus strand). Cytogenetic location: 14q24.3.
Variant type: single nucleotide variant.
Coding change: c.1768T>C on transcript NM_013382.7 (MANE Select); coding-DNA position 1768, T replaced by C.
Protein change: p.Tyr590His; replaces tyrosine 590 with histidine.
Molecular consequence: missense variant.
Genome position (GRCh38, 1-based): chr14:77,280,038, A>G on the plus strand (T>C on the coding strand, the complement: POMT2 is on the minus strand). VCF-style: chr14-77280038-A-G. GRCh37 (hg19) VCF-style: chr14-77746381-A-G.
Other names: short protein forms Y590H.
Identifiers: ClinVar variation 1494987 (VCV001494987.6), dbSNP rs2140167504, ClinGen allele CA390515018.

ClinVar aggregate classification (germline): Uncertain significance (1 of 4 stars; one submission).

Conditions:
Muscular dystrophy-dystroglycanopathy (congenital with impaired intellectual development), type B, 2. Also called: Muscular dystrophy-dystroglycanopathy (congenital with intellectual disability), type B2; MUSCULAR DYSTROPHY, CONGENITAL, POMT2-RELATED. Identifiers: MedGen C3150416, MONDO:0013160, OMIM 613156.
Autosomal recessive limb-girdle muscular dystrophy type 2N. Also called: MUSCULAR DYSTROPHY-DYSTROGLYCANOPATHY, LIMB-GIRDLE, POMT2-RELATED; Muscular dystrophy-dystroglycanopathy (limb-girdle), type C, 2. Identifiers: Orphanet 206559, MedGen C3150418, MONDO:0013162, OMIM 613158.
Muscular dystrophy-dystroglycanopathy (congenital with brain and eye anomalies), type A2. Also called: MUSCULAR DYSTROPHY-DYSTROGLYCANOPATHY (CONGENITAL WITH BRAIN AND EYE ANOMALIES), TYPE A, 2; WALKER-WARBURG SYNDROME OR MUSCLE-EYE-BRAIN DISEASE, POMT2-RELATED. Identifiers: Orphanet 588, Orphanet 899, MedGen C3150411, MONDO:0013154, OMIM 613150.

Submission:

Labcorp Genetics (formerly Invitae), Labcorp
Classification: Uncertain significance for Muscular dystrophy-dystroglycanopathy (congenital with impaired intellectual development), type B, 2; Muscular dystrophy-dystroglycanopathy (congenital with brain and eye anomalies), type A2; Autosomal recessive limb-girdle muscular dystrophy type 2N. Last evaluated: 2021-10-07. Review status: criteria provided, single submitter. Criteria: Invitae Variant Classification Sherloc (09022015). Collection method: clinical testing. Allele origin: germline.
Comment: This variant is not present in population databases (ExAC no frequency). In summary, the available evidence is currently insufficient to determine the role of this variant in disease. Therefore, it has been classified as a Variant of Uncertain Significance. Algorithms developed to predict the effect of missense changes on protein structure and function (SIFT, PolyPhen-2, Align-GVGD) all suggest that this variant is likely to be disruptive. This variant has not been reported in the literature in individuals affected with POMT2-related conditions. This sequence change replaces tyrosine with histidine at codon 590 of the POMT2 protein (p.Tyr590His). The tyrosine residue is highly conserved and there is a moderate physicochemical difference between tyrosine and histidine.